The following is an entry in ClinVar:

ClinVar aggregate classification (germline): Likely benign (1 of 4 stars; one submission).

gnomAD v4.1: 1 of 1,614,122 alleles (0.000062%); highest among the groups gnomAD compares: South Asian, 0.0011%; no homozygotes.

Submission:

CeGaT Center for Human Genetics Tuebingen
Classification: Likely benign. Last evaluated: 2024-07-01. Review status: criteria provided, single submitter. Criteria: CeGaT Center For Human Genetics Tuebingen Variant Classification Criteria Version 2. Collection method: clinical testing. Allele origin: germline. Affected: yes. Observed: 1 variant allele.
Comment: SPTBN1: PM2:Supporting, BP4, BP7

NM_003128.3(SPTBN1):c.282C>T (p.Val94=)

Gene: SPTBN1 (spectrin beta, non-erythrocytic 1; plus strand). Cytogenetic location: 2p16.2.
Variant type: single nucleotide variant.
Coding change: c.282C>T on transcript NM_003128.3 (MANE Select); coding-DNA position 282, C replaced by T.
Protein change: p.Val94=; no amino-acid change (valine 94 retained).
Molecular consequence: synonymous variant.
Genome position (GRCh38, 1-based): chr2:54,599,225, C>T. VCF-style: chr2-54599225-C-T. GRCh37 (hg19) VCF-style: chr2-54826362-C-T.
Other names: c.243C>T, p.Val81= (NM_178313.3).
Identifiers: ClinVar variation 3257207 (VCV003257207.17).